The following is an entry in ClinVar:

ClinVar aggregate classification (germline): Likely benign (0 of 4 stars; one submission).

Conditions:
DDX10-related disorder. Also called: DDX10-related condition.

Allele frequency attached by ClinVar (database versions not stated): gnomAD exomes 0.00002; ExAC 0.00009; gnomAD 0.00010; TOPMed 0.00010; ESP Exome Variant Server 0.00023.
gnomAD v4.1: 41 of 1,612,720 alleles (0.0025%); highest among the groups gnomAD compares: East Asian, 0.06%; no homozygotes.

Submission:

PreventionGenetics, part of Exact Sciences
Classification: Likely benign for DDX10-related condition. Last evaluated: 2019-12-27. Review status: no assertion criteria provided. Collection method: clinical testing. Allele origin: germline.
Comment: This variant is classified as likely benign based on ACMG/AMP sequence variant interpretation guidelines (Richards et al. 2015 PMID: 25741868, with internal and published modifications).

NM_004398.4(DDX10):c.1139-4G>A

Gene: DDX10 (DEAD-box helicase 10; plus strand). Cytogenetic location: 11q22.3.
Variant type: single nucleotide variant.
Coding change: c.1139-4G>A on transcript NM_004398.4 (MANE Select); 4 bases into the intron before coding-DNA position 1139, G replaced by A.
Molecular consequence: intron variant.
Genome position (GRCh38, 1-based): chr11:108,693,512, G>A. VCF-style: chr11-108693512-G-A. GRCh37 (hg19) VCF-style: chr11-108564239-G-A.
Identifiers: ClinVar variation 3037106 (VCV003037106.2), dbSNP rs376427484, ClinGen allele CA6268807.
Genomic context (GRCh38, chr11:108,693,512, plus strand): 5'-TAAAAATAGTGCAGCAGGGCAGATCTTGCAACCAGTTTCTTAACTTCACATCCCTTCTCT[G>A]TAGATTTCCCGGCCGTGAATTGGGTTCTTCAGTTTGATTGTCCTGAGGATGCCAACACAT-3'